The following is an entry in ClinVar:

NM_004006.3(DMD):c.3973A>G (p.Ile1325Val)

Gene: DMD (dystrophin; minus strand). Cytogenetic location: Xp21.1.
Variant type: single nucleotide variant.
Coding change: c.3973A>G on transcript NM_004006.3 (MANE Select); coding-DNA position 3973, A replaced by G.
Protein change: p.Ile1325Val; replaces isoleucine 1325 with valine.
Molecular consequence: missense variant.
Genome position (GRCh38, 1-based): chrX:32,438,339, T>C on the plus strand (A>G on the coding strand, the complement: DMD is on the minus strand). VCF-style: chrX-32438339-T-C. GRCh37 (hg19) VCF-style: chrX-32456456-T-C.
Other names: c.3949A>G, p.Ile1317Val (NM_000109.4); c.3961A>G, p.Ile1321Val (NM_004009.3); c.3604A>G, p.Ile1202Val (NM_004010.3); short protein forms I1202V, I1321V, I1317V, I1325V.
Identifiers: ClinVar variation 3719932 (VCV003719932.2).
Genomic context (GRCh38, chrX:32,438,339, plus strand): 5'-CAAGTTCCTCATTGATTAGCTCATCCATGACTCCGCCATCTGTTAGGGTCTGTGCCAATA[T>C]GCGAATCTGATTTGGGTTATCCTCTGAATGTCGCATCAAATTTTCAAGTGACTGAAACAC-3'
Protein context (NP_003997.2, residues 1315-1335): HSEDNPNQIR[Ile1325Val]LAQTLTDGGV

ClinVar aggregate classification (germline): Uncertain significance (1 of 4 stars; one submission).

Conditions:
Duchenne muscular dystrophy (DMD). Also called: Duchenne Muscular Dystrophy (DMD); MUSCULAR DYSTROPHY, PSEUDOHYPERTROPHIC PROGRESSIVE, DUCHENNE TYPE. Identifiers: Orphanet 98896, MedGen C0013264, MONDO:0010679, OMIM 310200.

Submission:

Labcorp Genetics (formerly Invitae), Labcorp
Classification: Uncertain significance for Duchenne muscular dystrophy. Last evaluated: 2024-07-22. Review status: criteria provided, single submitter. Criteria: Invitae Variant Classification Sherloc (09022015). Collection method: clinical testing. Allele origin: germline.
Comment: This sequence change replaces isoleucine, which is neutral and non-polar, with valine, which is neutral and non-polar, at codon 1325 of the DMD protein (p.Ile1325Val). This variant is not present in population databases (gnomAD no frequency). This variant has not been reported in the literature in individuals affected with DMD-related conditions. Advanced modeling of protein sequence and biophysical properties (such as structural, functional, and spatial information, amino acid conservation, physicochemical variation, residue mobility, and thermodynamic stability) performed at Invitae indicates that this missense variant is not expected to disrupt DMD protein function with a negative predictive value of 95%. In summary, the available evidence is currently insufficient to determine the role of this variant in disease. Therefore, it has been classified as a Variant of Uncertain Significance.